The following is an entry in ClinVar:

ClinVar aggregate classification (germline): Benign. Review status: criteria provided, multiple submitters, no conflicts (2 of 4 stars). 4 submissions from 4 submitters: Benign (4). Last evaluated 2024-07-31.

Conditions:
Combined oxidative phosphorylation defect type 21. Also called: Combined oxidative phosphorylation deficiency 21. Identifiers: Orphanet 420733, MedGen C4706316, MONDO:0014398, OMIM 615918.

Allele frequency attached by ClinVar (database versions not stated): 1000 Genomes Project 30x 0.22267; 1000 Genomes Project 0.22384; TOPMed 0.27845; gnomAD 0.29599 and 0.29756; ESP Exome Variant Server 0.30301; ExAC 0.34035; gnomAD exomes 0.34050 and 0.38255.

Submissions (4):

Unidad de Genómica Garrahan, Hospital de Pediatría Garrahan
Classification: Benign. Last evaluated: 2024-07-31. Review status: criteria provided, single submitter. Criteria: ACMG Guidelines, 2015. Collection method: clinical testing. Allele origin: germline. Affected: no. Observed: 38 variant alleles.
Comment: This variant is classified as Benign based on local population frequency. This variant was detected in 41% of patients studied in a panel designed for Epileptic and Developmental Encephalopathy, Progressive Myoclonus Epilepsy and Abnormal Movements and Neurodegeneration with brain iron accumulation. Number of patients: 38. Only high quality variants are reported.

Genome-Nilou Lab
Classification: Benign for Combined oxidative phosphorylation defect type 21. Last evaluated: 2021-07-15. Review status: criteria provided, single submitter. Criteria: ACMG Guidelines, 2015. Collection method: clinical testing. Allele origin: germline. Affected: no.

GeneDx
Classification: Benign. Last evaluated: 2018-06-14. Review status: criteria provided, single submitter. Criteria: GeneDx Variant Classification (06012015). Collection method: clinical testing. Allele origin: germline. Affected: yes.
Comment: This variant is considered likely benign or benign based on one or more of the following criteria: it is a conservative change, it occurs at a poorly conserved position in the protein, it is predicted to be benign by multiple in silico algorithms, and/or has population frequency not consistent with disease.

Breakthrough Genomics
Classification: Benign. Review status: criteria provided, single submitter. Criteria: ACMG Guidelines, 2015. Collection method: not provided. Allele origin: germline. Inheritance: Autosomal recessive inheritance. Affected: yes.

NM_025150.5(TARS2):c.1719-47C>T

Gene: TARS2 (threonyl-tRNA synthetase 2, mitochondrial; plus strand). Cytogenetic location: 1q21.2.
Variant type: single nucleotide variant.
Coding change: c.1719-47C>T on transcript NM_025150.5 (MANE Select); 47 bases into the intron before coding-DNA position 1719, C replaced by T.
Molecular consequence: intron variant.
Genome position (GRCh38, 1-based): chr1:150,504,585, C>T. VCF-style: chr1-150504585-C-T. GRCh37 (hg19) VCF-style: chr1-150477061-C-T.
Other names: c.1473-47C>T (NM_001271895.2); c.1329-47C>T (NM_001271896.2).
Identifiers: ClinVar variation 676429 (VCV000676429.6), dbSNP rs3738487, ClinGen allele CA1077106.